The following is an entry in ClinVar:

ClinVar aggregate classification (germline): Pathogenic. Review status: criteria provided, multiple submitters, no conflicts (2 of 4 stars). 3 submissions from 3 submitters: Pathogenic (3). Last evaluated 2025-05-07.

Conditions:
Epilepsy, familial focal, with variable foci 2 (FFEVF2). Identifiers: MedGen C4310709, MONDO:0014924, OMIM 617116.
Inborn genetic diseases. Identifiers: MedGen C0950123, MeSH D030342.

Submissions (3):

Ambry Genetics
Classification: Pathogenic for Inborn genetic diseases. Last evaluated: 2025-05-07. Review status: criteria provided, single submitter. Criteria: Ambry Variant Classification Scheme 2023. Collection method: clinical testing. Allele origin: germline.
Comment: The c.57_58delGGinsC (p.G20Dfs*45) alteration, located in exon 1 (coding exon 1) of the NPRL2 gene, consists of a deletion of 2 and insertion of 1 nucleotides causing a translational frameshift at position 57 with a predicted alternate stop codon after 45 amino acids. This alteration is expected to result in loss of function by premature protein truncation or nonsense-mediated mRNA decay. This variant was not reported in population-based cohorts in the Genome Aggregation Database (gnomAD). This variant was reported in individual(s) with features consistent with NPRL2-related familial focal epilepsy with variable foci (Haviland, 2023). Based on the available evidence, this alteration is classified as pathogenic.

Women's Health and Genetics/Laboratory Corporation of America, LabCorp
Classification: Pathogenic for Epilepsy, familial focal, with variable foci 2. Last evaluated: 2024-02-15. Review status: criteria provided, single submitter. Criteria: LabCorp Variant Classification Summary - May 2015. Collection method: clinical testing. Allele origin: germline.
Comment: Variant summary: NPRL2 c.57_58delinsC (p.Gly20AspfsX45) results in a premature termination codon, predicted to cause absence of the protein due to nonsense mediated decay, which is a commonly known mechanism for disease. The variant was absent in 270744 control chromosomes. c.57_58delinsC has been reported in the literature in at-least one individual affected with Epilepsy (example, Haviland_2023). These data do not allow any conclusion about variant significance. To our knowledge, no experimental evidence demonstrating an impact on protein function has been reported. The following publication have been ascertained in the context of this evaluation (PMID: 36403551). ClinVar contains an entry for this variant (Variation ID: 1526377). Based on the evidence outlined above, the variant was classified as pathogenic.

GeneDx
Classification: Pathogenic. Last evaluated: 2022-03-17. Review status: criteria provided, single submitter. Criteria: GeneDx Variant Classification Process June 2021. Collection method: clinical testing. Allele origin: germline. Affected: yes.
Comment: Frameshift variant predicted to result in protein truncation or nonsense mediated decay in a gene for which loss-of-function is a known mechanism of disease; Not observed in large population cohorts (gnomAD); Has not been previously published as pathogenic or benign to our knowledge

Literature cited by the submitters: PubMed 36403551 (cited by Ambry Genetics and Women's Health and Genetics/Laboratory Corporation of America, LabCorp).

NM_006545.5(NPRL2):c.57_58delinsC (p.Gly20fs)

Gene: NPRL2 (NPR2 like, GATOR1 complex subunit; minus strand). Cytogenetic location: 3p21.31.
Variant type: Indel.
Coding change: c.57_58delinsC on transcript NM_006545.5 (MANE Select); coding-DNA positions 57 to 58, GG replaced by C.
Protein change: p.Gly20fs; shifts the reading frame from glycine 20.
Molecular consequence: frameshift variant.
Genome position (GRCh38, 1-based): chr3:50,350,595-50,350,596, CC replaced by G on the plus strand (GG replaced by C on the coding strand, the reverse complement: NPRL2 is on the minus strand). VCF-style: chr3-50350595-CC-G. GRCh37 (hg19) VCF-style: chr3-50388026-CC-G.
Other names: c.57_58delGGinsC (NM_006545.4); short protein forms G20fs.
Identifiers: ClinVar variation 1526377 (VCV001526377.5), dbSNP rs2109370013, ClinGen allele CA2573137133.